The following is an entry in ClinVar:

NM_020461.4(TUBGCP6):c.3645_3806del (p.Gly1216_His1269del)

Gene: TUBGCP6 (tubulin gamma complex component 6; minus strand). Cytogenetic location: 22q13.33.
Variant type: Deletion.
Coding change: c.3645_3806del on transcript NM_020461.4 (MANE Select); coding-DNA positions 3645 to 3806, 162 bases deleted.
Protein change: p.Gly1216_His1269del.
Molecular consequence: inframe deletion.
Genome position (GRCh38, 1-based): chr22:50,220,553-50,220,714, 162 bases deleted. GRCh37 (hg19): chr22:50,659,007-50,659,168.
Identifiers: ClinVar variation 1480372 (VCV001480372.6), dbSNP rs2147177408, ClinGen allele CA2573158252.

ClinVar aggregate classification (germline): Uncertain significance (1 of 4 stars; one submission).

Submission:

Labcorp Genetics (formerly Invitae), Labcorp
Classification: Uncertain significance. Last evaluated: 2025-07-11. Review status: criteria provided, single submitter. Criteria: Invitae Variant Classification Sherloc (09022015). Collection method: clinical testing. Allele origin: germline.
Comment: This variant, c.3645_3806del, results in the deletion of 54 amino acid(s) of the TUBGCP6 protein (p.Gly1216_His1269del), but otherwise preserves the integrity of the reading frame. This variant is not present in population databases (gnomAD no frequency). This variant has not been reported in the literature in individuals affected with TUBGCP6-related conditions. ClinVar contains an entry for this variant (Variation ID: 1480372). Experimental studies and prediction algorithms are not available or were not evaluated, and the functional significance of this variant is currently unknown. In summary, the available evidence is currently insufficient to determine the role of this variant in disease. Therefore, it has been classified as a Variant of Uncertain Significance.